The following is an entry in ClinVar:

ClinVar aggregate classification (germline): Uncertain significance. Review status: criteria provided, multiple submitters, no conflicts (2 of 4 stars). 2 submissions from 2 submitters: Uncertain significance (2). Last evaluated 2023-07-10.

Allele frequency attached by ClinVar (database versions not stated): gnomAD exomes below 0.00001 and 0.00001; TOPMed 0.00002; gnomAD 0.00003.
gnomAD v4.1: 11 of 1,613,398 alleles (0.00068%); highest among the groups gnomAD compares: African/African-American, 0.0013%; no homozygotes.

Submissions (2):

GeneDx
Classification: Uncertain significance. Last evaluated: 2023-07-10. Review status: criteria provided, single submitter. Criteria: GeneDx Variant Classification Process June 2021. Collection method: clinical testing. Allele origin: germline. Affected: yes.
Comment: Observed in one patient with Brugada syndrome in published literature (Di Resta et al., 2015); however, no further clinical information was provided; In silico analysis supports that this missense variant has a deleterious effect on protein structure/function; This variant is associated with the following publications: (PMID: 26220970)

CeGaT Center for Human Genetics Tuebingen
Classification: Uncertain significance. Last evaluated: 2021-04-01. Review status: criteria provided, single submitter. Criteria: CeGaT Center For Human Genetics Tuebingen Variant Classification Criteria Version 2. Collection method: clinical testing. Allele origin: germline. Affected: yes. Observed: 1 variant allele.

NM_001205293.3(CACNA1E):c.2002C>T (p.Arg668Cys)

Gene: CACNA1E (calcium voltage-gated channel subunit alpha1 E; plus strand). Cytogenetic location: 1q25.3.
Variant type: single nucleotide variant.
Coding change: c.2002C>T on transcript NM_001205293.3 (MANE Select); coding-DNA position 2002, C replaced by T.
Protein change: p.Arg668Cys; replaces arginine 668 with cysteine.
Molecular consequence: missense variant.
Genome position (GRCh38, 1-based): chr1:181,721,803, C>T. VCF-style: chr1-181721803-C-T. GRCh37 (hg19) VCF-style: chr1-181690939-C-T.
Other names: c.2002C>T, p.Arg668Cys (NM_000721.4, NM_001205294.2); c.2002C>T (NM_000721.3); short protein forms R668C.
Identifiers: ClinVar variation 1176524 (VCV001176524.35), dbSNP rs1228711500, ClinGen allele CA343627552.